The following is an entry in ClinVar:

NM_020937.4(FANCM):c.1926C>G (p.Ile642Met)

Gene: FANCM (FA complementation group M; plus strand). Cytogenetic location: 14q21.2.
Variant type: single nucleotide variant.
Coding change: c.1926C>G on transcript NM_020937.4 (MANE Select); coding-DNA position 1926, C replaced by G.
Protein change: p.Ile642Met; replaces isoleucine 642 with methionine.
Molecular consequence: missense variant.
Genome position (GRCh38, 1-based): chr14:45,167,087, C>G. VCF-style: chr14-45167087-C-G. GRCh37 (hg19) VCF-style: chr14-45636290-C-G.
Other names: c.1848C>G, p.Ile616Met (NM_001308133.2); c.1926C>G, p.Ile642Met (NM_001308134.2); short protein forms I616M, I642M.
Identifiers: ClinVar variation 4254627 (VCV004254627.1).

ClinVar aggregate classification (germline): Uncertain significance (1 of 4 stars; one submission).

Conditions:
Inborn genetic diseases. Identifiers: MedGen C0950123, MeSH D030342.

Submission:

Ambry Genetics
Classification: Uncertain significance for Inborn genetic diseases. Last evaluated: 2025-07-31. Review status: criteria provided, single submitter. Criteria: Ambry Variant Classification Scheme 2023. Collection method: clinical testing. Allele origin: germline.
Comment: The p.I642M variant (also known as c.1926C>G), located in coding exon 11 of the FANCM gene, results from a C to G substitution at nucleotide position 1926. The isoleucine at codon 642 is replaced by methionine, an amino acid with highly similar properties. This amino acid position is conserved. In addition, this alteration is predicted to be tolerated by in silico analysis. Based on the available evidence, the clinical significance of this variant remains unclear.